The following is an entry in ClinVar:

NM_032237.5(POMK):c.830A>T (p.Asp277Val)

Gene: POMK (protein O-mannose kinase; plus strand). Cytogenetic location: 8p11.21.
Variant type: single nucleotide variant.
Coding change: c.830A>T on transcript NM_032237.5 (MANE Select); coding-DNA position 830, A replaced by T.
Protein change: p.Asp277Val; replaces aspartic acid 277 with valine.
Molecular consequence: missense variant.
Genome position (GRCh38, 1-based): chr8:43,122,654, A>T. VCF-style: chr8-43122654-A-T. GRCh37 (hg19) VCF-style: chr8-42977797-A-T.
Other names: c.830A>T, p.Asp277Val (NM_001277971.2); c.830A>T (NM_032237.4); short protein forms D277V.
Identifiers: ClinVar variation 4793396 (VCV004793396.2).
Genomic context (GRCh38, chr8:43,122,654, plus strand): 5'-AGCAACTGTGGCCCTATGGAGAGGACGTGCCTTTCCACGATGATCTCATGCCCTCATATG[A>T]TGAGAAGATTGACATTTGGAAGATCCCAGACATCTCCAGTTTCCTTCTGGGGCACATTGA-3'
Protein context (NP_115613.1, residues 267-287): PFHDDLMPSY[Asp277Val]EKIDIWKIPD

ClinVar aggregate classification (germline): Uncertain significance. Review status: criteria provided, multiple submitters, no conflicts (2 of 4 stars). 2 submissions from 2 submitters: Uncertain significance (2). Last evaluated 2026-04-26.

Conditions:
Muscular dystrophy-dystroglycanopathy (congenital with brain and eye anomalies), type a, 12 (MDDGA12). Also called: WALKER-WARBURG SYNDROME OR MUSCLE-EYE-BRAIN DISEASE, POMK-RELATED. Identifiers: Orphanet 899, MedGen C3808964, MONDO:0014101, OMIM 615249.
Limb-girdle muscular dystrophy due to POMK deficiency. Also called: MUSCULAR DYSTROPHY-DYSTROGLYCANOPATHY, LIMB-GIRDLE, POMK-RELATED; Muscular dystrophy-dystroglycanopathy (limb-girdle), type c, 12. Identifiers: Orphanet 445110, MedGen C4015184, MONDO:0014489, OMIM 616094.

Submissions (2):

GeneDx
Classification: Uncertain significance. Last evaluated: 2026-04-26. Review status: criteria provided, single submitter. Criteria: GeneDx Variant Classification Process June 2021. Collection method: clinical testing. Allele origin: germline.
Comment: Not observed at significant frequency in large population cohorts (gnomAD); In silico analysis supports that this missense variant has a deleterious effect on protein structure/function; Has not been previously published as pathogenic or benign to our knowledge

Labcorp Genetics (formerly Invitae), Labcorp
Classification: Uncertain significance for Muscular dystrophy-dystroglycanopathy (congenital with brain and eye anomalies), type a, 12; Limb-girdle muscular dystrophy due to POMK deficiency. Last evaluated: 2025-12-08. Review status: criteria provided, single submitter. Criteria: Invitae Variant Classification Sherloc (09022015). Collection method: clinical testing. Allele origin: germline.
Comment: This sequence change replaces aspartic acid, which is acidic and polar, with valine, which is neutral and non-polar, at codon 277 of the POMK protein (p.Asp277Val). This variant is not present in population databases (gnomAD no frequency). This variant has not been reported in the literature in individuals affected with POMK-related conditions. Invitae Evidence Modeling of protein sequence and biophysical properties (such as structural, functional, and spatial information, amino acid conservation, physicochemical variation, residue mobility, and thermodynamic stability) has been performed for this missense variant. However, the output from this modeling did not meet the statistical confidence thresholds required to predict the impact of this variant on POMK protein function. In summary, the available evidence is currently insufficient to determine the role of this variant in disease. Therefore, it has been classified as a Variant of Uncertain Significance.